The following is an entry in ClinVar:

ClinVar aggregate classification (germline): Uncertain significance (1 of 4 stars; one submission).

Submission:

Labcorp Genetics (formerly Invitae), Labcorp
Classification: Uncertain significance. Last evaluated: 2022-02-28. Review status: criteria provided, single submitter. Criteria: Invitae Variant Classification Sherloc (09022015). Collection method: clinical testing. Allele origin: germline.
Comment: In summary, the available evidence is currently insufficient to determine the role of this variant in disease. Therefore, it has been classified as a Variant of Uncertain Significance. Algorithms developed to predict the effect of missense changes on protein structure and function (SIFT, PolyPhen-2, Align-GVGD) all suggest that this variant is likely to be tolerated. This variant has not been reported in the literature in individuals affected with SLC34A1-related conditions. This variant is not present in population databases (gnomAD no frequency). This sequence change replaces arginine, which is basic and polar, with serine, which is neutral and polar, at codon 7 of the SLC34A1 protein (p.Arg7Ser).

NM_003052.5(SLC34A1):c.21G>C (p.Arg7Ser)

Gene: SLC34A1 (solute carrier family 34 member 1; plus strand). Cytogenetic location: 5q35.3.
Variant type: single nucleotide variant.
Coding change: c.21G>C on transcript NM_003052.5 (MANE Select); coding-DNA position 21, G replaced by C.
Protein change: p.Arg7Ser; replaces arginine 7 with serine.
Molecular consequence: missense variant.
Genome position (GRCh38, 1-based): chr5:177,385,762, G>C. VCF-style: chr5-177385762-G-C. GRCh37 (hg19) VCF-style: chr5-176812763-G-C.
Other names: c.21G>C, p.Arg7Ser (NM_001167579.2); short protein forms R7S.
Identifiers: ClinVar variation 2104521 (VCV002104521.4), dbSNP rs376026848, ClinGen allele CA362362053.
Genomic context (GRCh38, chr5:177,385,762, plus strand): 5'-GAGACCCACTGACCTGCAGACCTCATAGTGGGTGCCCAGGATGTTGTCCTACGGAGAGAG[G>C]CTGGGGTCCCCTGCTGTCTCCCCACTCCCAGTCCGTGGGGGGCATGTGATGCGAGGGACG-3'
Protein context (NP_003043.3, residues 1-17): MLSYGE[Arg7Ser]LGSPAVSPLP